The following is an entry in ClinVar:

NM_000219.6(KCNE1):c.141C>T (p.Val47=)

Gene: KCNE1 (potassium voltage-gated channel subfamily E regulatory subunit 1; minus strand). Cytogenetic location: 21q22.12.
Variant type: single nucleotide variant.
Coding change: c.141C>T on transcript NM_000219.6 (MANE Select); coding-DNA position 141, C replaced by T.
Protein change: p.Val47=; no amino-acid change (valine 47 retained).
Molecular consequence: synonymous variant.
Genome position (GRCh38, 1-based): chr21:34,449,494, G>A on the plus strand (C>T on the coding strand, the complement: KCNE1 is on the minus strand). VCF-style: chr21-34449494-G-A. GRCh37 (hg19) VCF-style: chr21-35821792-G-A.
Other names: c.141C>T, p.Val47= (NM_001127668.4, NM_001127669.4, NM_001127670.4 and 4 more transcripts).
Identifiers: ClinVar variation 3374155 (VCV003374155.2).

Conditions:
Long QT syndrome 5 (LQT5). Identifiers: Orphanet 101016, Orphanet 768, MedGen C1867904, MONDO:0013372, OMIM 613695.

Submission:

Roden Lab, Vanderbilt University Medical Center
No classification provided (evidence only). Condition: Long QT syndrome 5. Review status: no classification provided. Collection method: in vitro. Allele origin: not applicable. Functional consequence: Effect on ion channel function.
ClinVar note: "not provided" was previously submitted as the classification for the variant. However, the classification appeared to be based only on an observation of functional data so it was converted to no classification on 2025-07-30.